The following is an entry in ClinVar:

ClinVar aggregate classification (germline): Likely benign. Review status: criteria provided, multiple submitters, no conflicts (2 of 4 stars). 2 submissions from 2 submitters: Likely benign (2). Last evaluated 2025-08-01.

gnomAD v4.1: 17 of 1,613,466 alleles (0.0011%); highest among the groups gnomAD compares: Middle Eastern, 0.016%; no homozygotes.

Submissions (2):

CeGaT Center for Human Genetics Tuebingen
Classification: Likely benign. Last evaluated: 2025-08-01. Review status: criteria provided, single submitter. Criteria: CeGaT Center For Human Genetics Tuebingen Variant Classification Criteria Version 2. Collection method: clinical testing. Allele origin: germline. Affected: yes. Observed: 1 variant allele.
Comment: TRAPPC9: BP4, BP7

Labcorp Genetics (formerly Invitae), Labcorp
Classification: Likely benign. Last evaluated: 2024-05-29. Review status: criteria provided, single submitter. Criteria: Invitae Variant Classification Sherloc (09022015). Collection method: clinical testing. Allele origin: germline.

NM_001160372.4(TRAPPC9):c.1581C>T (p.Leu527=)

Gene: TRAPPC9 (trafficking protein particle complex subunit 9; minus strand). Cytogenetic location: 8q24.3.
Variant type: single nucleotide variant.
Coding change: c.1581C>T on transcript NM_001160372.4 (MANE Select); coding-DNA position 1581, C replaced by T.
Protein change: p.Leu527=; no amino-acid change (leucine 527 retained).
Molecular consequence: synonymous variant. On other transcripts: non-coding transcript variant (1).
Genome position (GRCh38, 1-based): chr8:140,311,289, G>A on the plus strand (C>T on the coding strand, the complement: TRAPPC9 is on the minus strand). VCF-style: chr8-140311289-G-A. GRCh37 (hg19) VCF-style: chr8-141321388-G-A.
Other names: c.1554C>T, p.Leu518= (NM_001321646.2); c.1602C>T, p.Leu534= (NM_001374682.1); c.1581C>T, p.Leu527= (NM_001374683.1, NM_031466.8); c.1437C>T, p.Leu479= (NM_001374684.1).
Identifiers: ClinVar variation 3711973 (VCV003711973.10).